The following is an entry in ClinVar:

NM_000051.4(ATM):c.2847G>C (p.Met949Ile)

Gene: ATM (ATM serine/threonine kinase; plus strand). Cytogenetic location: 11q22.3.
Variant type: single nucleotide variant.
Coding change: c.2847G>C on transcript NM_000051.4 (MANE Select); coding-DNA position 2847, G replaced by C.
Protein change: p.Met949Ile; replaces methionine 949 with isoleucine.
Molecular consequence: missense variant.
Genome position (GRCh38, 1-based): chr11:108,271,072, G>C. VCF-style: chr11-108271072-G-C. GRCh37 (hg19) VCF-style: chr11-108141799-G-C.
Other names: c.2847G>C, p.Met949Ile (NM_001351834.2); short protein forms M949I.
Identifiers: ClinVar variation 1473322 (VCV001473322.9), dbSNP rs1565424213, ClinGen allele CA382546706.

ClinVar aggregate classification (germline): Uncertain significance. Review status: criteria provided, multiple submitters, no conflicts (2 of 4 stars). 2 submissions from 2 submitters: Uncertain significance (2). Last evaluated 2025-02-16.

Conditions:
Ataxia-telangiectasia syndrome (AT). Also called: ATAXIA-TELANGIECTASIA, COMPLEMENTATION GROUP A; ATAXIA-TELANGIECTASIA, FRESNO VARIANT; LOUIS-BAR SYNDROME; Ataxia-telangiectasia; Cerebello-oculocutaneous telangiectasia; Immunodeficiency with ataxia telangiectasia. Identifiers: Orphanet 100, MedGen C0004135, MONDO:0008840, OMIM 208900.
Hereditary cancer-predisposing syndrome. Also called: Hereditary neoplastic syndrome; Tumor predisposition; Neoplastic Syndromes, Hereditary; Hereditary Cancer Syndrome. Identifiers: Orphanet 140162, MedGen C0027672, MeSH D009386, MONDO:0015356.

Submissions (2):

Color Diagnostics, LLC DBA Color Health
Classification: Uncertain significance for Hereditary cancer-predisposing syndrome. Last evaluated: 2025-02-16. Review status: criteria provided, single submitter. Criteria: ACMG Guidelines, 2015. Collection method: clinical testing. Allele origin: germline.
Comment: This missense variant replaces methionine with isoleucine at codon 949 of the ATM protein. Computational prediction suggests that this variant may not impact protein structure and function (internally defined REVEL score threshold <= 0.5, PMID: 27666373). To our knowledge, functional studies have not been reported for this variant. This variant has not been reported in individuals affected with ATM-related disorders in the literature. This variant has not been identified in the general population by the Genome Aggregation Database (gnomAD). The available evidence is insufficient to determine the role of this variant in disease conclusively. Therefore, this variant is classified as a Variant of Uncertain Significance.

Labcorp Genetics (formerly Invitae), Labcorp
Classification: Uncertain significance for Ataxia-telangiectasia syndrome. Last evaluated: 2021-06-14. Review status: criteria provided, single submitter. Criteria: Invitae Variant Classification Sherloc (09022015). Collection method: clinical testing. Allele origin: germline.
Comment: In summary, the available evidence is currently insufficient to determine the role of this variant in disease. Therefore, it has been classified as a Variant of Uncertain Significance. Advanced modeling of protein sequence and biophysical properties (such as structural, functional, and spatial information, amino acid conservation, physicochemical variation, residue mobility, and thermodynamic stability) performed at Invitae indicates that this missense variant is not expected to disrupt ATM protein function. This variant has not been reported in the literature in individuals with ATM-related conditions. This variant is not present in population databases (ExAC no frequency). This sequence change replaces methionine with isoleucine at codon 949 of the ATM protein (p.Met949Ile). The methionine residue is weakly conserved and there is a small physicochemical difference between methionine and isoleucine.